The following is an entry in ClinVar:

ClinVar aggregate classification (germline): Uncertain significance (1 of 4 stars; one submission).

Submission:

GeneDx
Classification: Uncertain significance. Last evaluated: 2022-06-07. Review status: criteria provided, single submitter. Criteria: GeneDx Variant Classification Process June 2021. Collection method: clinical testing. Allele origin: germline. Affected: yes.
Comment: Not observed at significant frequency in large population cohorts (gnomAD); In silico analysis, which includes splice predictors and evolutionary conservation, suggests this variant may impact gene splicing. In the absence of RNA/functional studies, the actual effect of this sequence change is unknown.; Has not been previously published as pathogenic or benign to our knowledge

NM_001101426.4(CRPPA):c.540A>T (p.Ala180=)

Gene: CRPPA (CDP-L-ribitol pyrophosphorylase A; minus strand). Cytogenetic location: 7p21.2.
Variant type: single nucleotide variant.
Coding change: c.540A>T on transcript NM_001101426.4 (MANE Select); coding-DNA position 540, A replaced by T.
Protein change: p.Ala180=; no amino-acid change (alanine 180 retained).
Molecular consequence: synonymous variant. On other transcripts: non-coding transcript variant (1), intron variant (1).
Genome position (GRCh38, 1-based): chr7:16,376,236, T>A on the plus strand (A>T on the coding strand, the complement: CRPPA is on the minus strand). VCF-style: chr7-16376236-T-A. GRCh37 (hg19) VCF-style: chr7-16415861-T-A.
Other names: c.540A>T, p.Ala180= (NM_001368197.1); c.534+29825A>T (NM_001101417.4).
Identifiers: ClinVar variation 1803552 (VCV001803552.1), dbSNP rs2546723472, ClinGen allele CA454039940.